The following is an entry in ClinVar:

ClinVar aggregate classification (germline): Uncertain significance. Review status: criteria provided, multiple submitters, no conflicts (2 of 4 stars). 4 submissions from 4 submitters: Uncertain significance (3). 1 of the submissions does not count toward it. Last evaluated 2026-03-05.

Conditions:
Medium-chain acyl-coenzyme A dehydrogenase deficiency (ACADMD). Also called: MCAD Deficiency; ACADM DEFICIENCY; MCADD; Medium chain acyl-CoA dehydrogenase deficiency; CARNITINE DEFICIENCY SECONDARY TO MEDIUM-CHAIN ACYL-CoA DEHYDROGENASE DEFICIENCY; MCADH DEFICIENCY. Identifiers: Orphanet 42, MedGen C0220710, MONDO:0008721, OMIM 201450.

Allele frequency attached by ClinVar (database versions not stated): gnomAD exomes 0.00003; ExAC 0.00004; TOPMed 0.00014; gnomAD 0.00015 and 0.00016; ESP Exome Variant Server 0.00023.
gnomAD v4.1: 39 of 1,526,906 alleles (0.0026%); highest among the groups gnomAD compares: African/African-American, 0.05%; no homozygotes.

Submissions (4):

Mendelics
Classification: Uncertain significance for Medium-chain acyl-coenzyme A dehydrogenase deficiency. Last evaluated: 2026-03-05. Review status: criteria provided, single submitter. Criteria: ACMG Guidelines, 2015. Collection method: clinical testing. Allele origin: unknown.
Comment: The available evidence is insufficient to conclusively determine the role of this variant. Therefore, it is classified as a Variant of Uncertain Significance.

GeneDx
Classification: Uncertain significance. Last evaluated: 2017-06-29. Review status: criteria provided, single submitter. Criteria: GeneDx Variant Classification (06012015). Collection method: clinical testing. Allele origin: germline. Affected: yes.
Comment: The c.-17 C>G variant has not been published as a pathogenic variant, nor has it been reported as a benign variant to our knowledge. The c.-17 C>G variant is observed in 5/10186 (0.05%) alleles from individuals of African background in large population cohorts (Lek et al., 2016; 1000 Genomes Consortium et al., 2015; Exome Variant Server). This nucleotide substitution occurs at a position that is not conserved. Several in-silico splice prediction models predict that c.-17 C>G does not affect normal gene splicing. However, in the absence of RNA/functional studies, the actual effect of this sequence change in this individual is unknown. In summary, based on the currently available information, it is unclear whether this variant is a pathogenic variant or a rare benign variant.

ARUP Laboratories, Molecular Genetics and Genomics, ARUP Laboratories
Classification: Uncertain significance for Medium-chain acyl-coenzyme A dehydrogenase deficiency. Last evaluated: 2015-02-20. Review status: criteria provided, single submitter. Criteria: ACMG Guidelines, 2015. Collection method: clinical testing. Allele origin: germline. Inheritance: Autosomal recessive inheritance. Observed: 1 homozygote.

Counsyl
Classification: Uncertain significance for Medium-chain acyl-coenzyme A dehydrogenase deficiency. Last evaluated: 2017-08-17. Review status: no assertion criteria provided. Collection method: clinical testing. Allele origin: unknown. Not counted in ClinVar's aggregate classification.

NM_000016.6(ACADM):c.-17C>G

Gene: ACADM (acyl-CoA dehydrogenase medium chain; plus strand). Cytogenetic location: 1p31.1.
Variant type: single nucleotide variant.
Coding change: c.-17C>G on transcript NM_000016.6 (MANE Select); 17 bases upstream of the start codon, C replaced by G.
Molecular consequence: 5 prime UTR variant.
Genome position (GRCh38, 1-based): chr1:75,724,771, C>G. VCF-style: chr1-75724771-C-G. GRCh37 (hg19) VCF-style: chr1-76190456-C-G.
Other names: c.-17C>G (NM_001127328.3, NM_001286043.2); c.-37C>G (NM_001286042.2); c.-314C>G (NM_001286044.2).
Identifiers: ClinVar variation 226052 (VCV000226052.11), dbSNP rs367734665, ClinGen allele CA912881.
Genomic context (GRCh38, chr1:75,724,771, plus strand): 5'-AGGAGTCCCGCGTTCGGGGAGTATGTCAAGGCCGTGACCCGTGTATTATTGTCCGAGTGG[C>G]CGGAACGGGAGCCAACATGGCAGCGGGGTTCGGGCGATGCTGCAGGGTGAGAGGGAGCCC-3'